The following is an entry in ClinVar:

ClinVar aggregate classification (germline): Uncertain significance. Review status: criteria provided, multiple submitters, no conflicts (2 of 4 stars). 2 submissions from 2 submitters: Uncertain significance (2). Last evaluated 2022-09-01.

gnomAD v4.1: 5 of 1,614,118 alleles (0.00031%); highest among the groups gnomAD compares: Non-Finnish European, 0.00034%; no homozygotes.

Submissions (2):

CeGaT Center for Human Genetics Tuebingen
Classification: Uncertain significance. Last evaluated: 2022-09-01. Review status: criteria provided, single submitter. Criteria: CeGaT Center For Human Genetics Tuebingen Variant Classification Criteria Version 2. Collection method: clinical testing. Allele origin: germline. Affected: yes. Observed: 1 variant allele.
Comment: KMT2C: PM2, BP4

Women's Health and Genetics/Laboratory Corporation of America, LabCorp
Classification: Uncertain significance. Last evaluated: 2022-05-05. Review status: criteria provided, single submitter. Criteria: LabCorp Variant Classification Summary - May 2015. Collection method: clinical testing. Allele origin: germline.
Comment: Variant summary: KMT2C c.11167G>A (p.Ala3723Thr) results in a non-conservative amino acid change in the encoded protein sequence. Four of five in-silico tools predict a benign effect of the variant on protein function. The variant was absent in 251482 control chromosomes. The available data on variant occurrences in the general population are insufficient to allow any conclusion about variant significance. To our knowledge, no occurrence of c.11167G>A in individuals affected with Kleefstra Syndrome 2 and no experimental evidence demonstrating its impact on protein function have been reported. No clinical diagnostic laboratories have submitted clinical-significance assessments for this variant to ClinVar after 2014. Based on the evidence outlined above, the variant was classified as uncertain significance.

NM_170606.3(KMT2C):c.11167G>A (p.Ala3723Thr)

Gene: KMT2C (lysine methyltransferase 2C; minus strand). Cytogenetic location: 7q36.1.
Variant type: single nucleotide variant.
Coding change: c.11167G>A on transcript NM_170606.3 (MANE Select); coding-DNA position 11167, G replaced by A.
Protein change: p.Ala3723Thr; replaces alanine 3723 with threonine.
Molecular consequence: missense variant.
Genome position (GRCh38, 1-based): chr7:152,162,410, C>T on the plus strand (G>A on the coding strand, the complement: KMT2C is on the minus strand). VCF-style: chr7-152162410-C-T. GRCh37 (hg19) VCF-style: chr7-151859495-C-T.
Other names: short protein forms A3723T.
Identifiers: ClinVar variation 1696027 (VCV001696027.25), dbSNP rs115580901, ClinGen allele CA370101276.